The following is an entry in ClinVar:

NM_024996.7(GFM1):c.964G>A (p.Glu322Lys)

Gene: GFM1 (G elongation factor mitochondrial 1; plus strand). Cytogenetic location: 3q25.32.
Variant type: single nucleotide variant.
Coding change: c.964G>A on transcript NM_024996.7 (MANE Select); coding-DNA position 964, G replaced by A.
Protein change: p.Glu322Lys; replaces glutamic acid 322 with lysine.
Molecular consequence: missense variant. On other transcripts: non-coding transcript variant (4).
Genome position (GRCh38, 1-based): chr3:158,653,433, G>A. VCF-style: chr3-158653433-G-A. GRCh37 (hg19) VCF-style: chr3-158371222-G-A.
Other names: c.1021G>A, p.Glu341Lys (NM_001308164.2, NM_001374355.1); c.964G>A, p.Glu322Lys (NM_001308166.2); c.847G>A, p.Glu283Lys (NM_001374356.1); c.739G>A, p.Glu247Lys (NM_001374357.1); c.505G>A, p.Glu169Lys (NM_001374358.1); c.397G>A, p.Glu133Lys (NM_001374359.1, NM_001374360.1); c.280G>A, p.Glu94Lys (NM_001374361.1); short protein forms E247K, E169K, E283K, E133K, E341K, E322K, E94K.
Identifiers: ClinVar variation 3720542 (VCV003720542.2).

ClinVar aggregate classification (germline): Uncertain significance (1 of 4 stars; one submission).

gnomAD v4.1: 2 of 1,613,316 alleles (0.00012%); highest among the groups gnomAD compares: Non-Finnish European, 0.000085%; no homozygotes.

Submission:

Labcorp Genetics (formerly Invitae), Labcorp
Classification: Uncertain significance. Last evaluated: 2024-04-29. Review status: criteria provided, single submitter. Criteria: Invitae Variant Classification Sherloc (09022015). Collection method: clinical testing. Allele origin: germline.
Comment: This sequence change replaces glutamic acid, which is acidic and polar, with lysine, which is basic and polar, at codon 322 of the GFM1 protein (p.Glu322Lys). This variant is not present in population databases (gnomAD no frequency). This missense change has been observed in individual(s) with neonatal mitochondrial hepatoencephalopathy (PMID: 26937387). Advanced modeling of protein sequence and biophysical properties (such as structural, functional, and spatial information, amino acid conservation, physicochemical variation, residue mobility, and thermodynamic stability) has been performed at Invitae for this missense variant, however the output from this modeling did not meet the statistical confidence thresholds required to predict the impact of this variant on GFM1 protein function. In summary, the available evidence is currently insufficient to determine the role of this variant in disease. Therefore, it has been classified as a Variant of Uncertain Significance.

Literature cited by the submitters: PubMed 26937387.